The following is an entry in ClinVar:

NM_001164508.2(NEB):c.7135_7140del (p.Val2379_Asp2380del)

Gene: NEB (nebulin; minus strand). Cytogenetic location: 2q23.3.
Variant type: Deletion.
Coding change: c.7135_7140del on transcript NM_001164508.2 (MANE Select); coding-DNA positions 7135 to 7140, 6 bases deleted (GTGGAC; older notation c.7135_7140delGTGGAC).
Protein change: p.Val2379_Asp2380del.
Molecular consequence: inframe deletion.
Genome position (GRCh38, 1-based): chr2:151,650,661-151,650,666, GTCCAC deleted on the plus strand (GTGGAC on the coding strand, the reverse complement: NEB is on the minus strand); deleting any 6 consecutive bases within chr2:151,650,661-151,650,669 gives the same sequence; the c. name uses the placement nearest the transcript's 3' end. VCF-style (leftmost placement, unchanged base first): chr2-151650660-AGTCCAC-A. GRCh37 (hg19) VCF-style: chr2-152507174-AGTCCAC-A.
Other names: c.7135_7140del, p.Val2379_Asp2380del (NM_001164507.2, NM_001271208.2, NM_004543.5).
Identifiers: ClinVar variation 551768 (VCV000551768.49), dbSNP rs1326831435, ClinGen allele CA537030543.
Genomic context (GRCh38, chr2:151,650,660, plus strand): 5'-TAGCTTGCACAACATCGTTCTGATCAGGCAGACATGTCCACTGATGCAGGTAGTTCTTGT[AGTCCAC>A]GTCACTAACCAACTCCTGACACTTCTTGGCCAGTACCACTCCCAACATGTCCACTGGGCT-3'

ClinVar aggregate classification (germline): Uncertain significance. Review status: criteria provided, multiple submitters, no conflicts (2 of 4 stars). 4 submissions from 4 submitters: Uncertain significance (2). 2 of the submissions do not count toward it. Last evaluated 2022-10-04.

Conditions:
Nemaline myopathy 2 (NEM2). Also called: Nemaline myopathy 2, autosomal recessive. Identifiers: MedGen C1850569, MONDO:0009725, OMIM 256030.

Submissions (4):

Labcorp Genetics (formerly Invitae), Labcorp
Classification: Uncertain significance for Nemaline myopathy 2. Last evaluated: 2022-10-04. Review status: criteria provided, single submitter. Criteria: Invitae Variant Classification Sherloc (09022015). Collection method: clinical testing. Allele origin: germline.
Comment: This variant, c.7135_7140del, results in the deletion of 2 amino acid(s) of the NEB protein (p.Val2379_Asp2380del), but otherwise preserves the integrity of the reading frame. This variant is present in population databases (no rsID available, gnomAD 0.002%). This variant has not been reported in the literature in individuals affected with NEB-related conditions. ClinVar contains an entry for this variant (Variation ID: 551768). Experimental studies and prediction algorithms are not available or were not evaluated, and the functional significance of this variant is currently unknown. In summary, the available evidence is currently insufficient to determine the role of this variant in disease. Therefore, it has been classified as a Variant of Uncertain Significance.

CeGaT Center for Human Genetics Tuebingen
Classification: Uncertain significance. Last evaluated: 2019-05-01. Review status: criteria provided, single submitter. Criteria: CeGaT Center For Human Genetics Tuebingen Variant Classification Criteria Version 2. Collection method: clinical testing. Allele origin: germline. Affected: yes. Observed: 3 variant alleles.

Natera, Inc.
Classification: Uncertain significance for Nemaline myopathy type 2. Last evaluated: 2019-11-11. Review status: no assertion criteria provided. Collection method: clinical testing. Allele origin: germline. Not counted in ClinVar's aggregate classification.

Counsyl
Classification: Uncertain significance for Nemaline myopathy 2. Last evaluated: 2017-05-19. Review status: no assertion criteria provided. Collection method: clinical testing. Allele origin: unknown. Not counted in ClinVar's aggregate classification.